The following is an entry in ClinVar:

ClinVar aggregate classification (germline): Uncertain significance (1 of 4 stars; one submission).

Conditions:
Mitochondrial complex II deficiency, nuclear type 1. Also called: SUCCINATE CoQ REDUCTASE DEFICIENCY. Identifiers: Orphanet 3208, MedGen C5700310, MONDO:0100294, OMIM 252011.
Pheochromocytoma/paraganglioma syndrome 5. Also called: Paragangliomas 5; SDHA-Related Hereditary Paraganglioma-Pheochromocytoma Syndrome. Identifiers: Orphanet 29072, MedGen C3279992, MONDO:0013602, OMIM 614165.

Allele frequency attached by ClinVar (database versions not stated): gnomAD exomes 0.00001.
gnomAD v4.1: 3 of 1,613,948 alleles (0.00019%); highest among the groups gnomAD compares: South Asian, 0.0033%; no homozygotes.

Submission:

Labcorp Genetics (formerly Invitae), Labcorp
Classification: Uncertain significance for Pheochromocytoma/paraganglioma syndrome 5; Mitochondrial complex II deficiency, nuclear type 1. Last evaluated: 2023-11-13. Review status: criteria provided, single submitter. Criteria: Invitae Variant Classification Sherloc (09022015). Collection method: clinical testing. Allele origin: germline.
Comment: This sequence change replaces isoleucine, which is neutral and non-polar, with leucine, which is neutral and non-polar, at codon 239 of the SDHA protein (p.Ile239Leu). This variant is present in population databases (rs760106352, gnomAD 0.006%). This variant has not been reported in the literature in individuals affected with SDHA-related conditions. ClinVar contains an entry for this variant (Variation ID: 1358948). Advanced modeling of protein sequence and biophysical properties (such as structural, functional, and spatial information, amino acid conservation, physicochemical variation, residue mobility, and thermodynamic stability) performed at Invitae indicates that this missense variant is not expected to disrupt SDHA protein function with a negative predictive value of 95%. In summary, the available evidence is currently insufficient to determine the role of this variant in disease. Therefore, it has been classified as a Variant of Uncertain Significance.

NM_004168.4(SDHA):c.715A>T (p.Ile239Leu)

Gene: SDHA (succinate dehydrogenase complex flavoprotein subunit A; plus strand). Cytogenetic location: 5p15.33.
Variant type: single nucleotide variant.
Coding change: c.715A>T on transcript NM_004168.4 (MANE Select); coding-DNA position 715, A replaced by T.
Protein change: p.Ile239Leu; replaces isoleucine 239 with leucine.
Molecular consequence: missense variant.
Genome position (GRCh38, 1-based): chr5:228,278, A>T. VCF-style: chr5-228278-A-T. GRCh37 (hg19) VCF-style: chr5-228393-A-T.
Other names: c.571A>T, p.Ile191Leu (NM_001294332.2); c.715A>T, p.Ile239Leu (NM_001330758.2); short protein forms I239L, I191L.
Identifiers: ClinVar variation 1358948 (VCV001358948.4), dbSNP rs760106352, ClinGen allele CA3172949.